The following is an entry in ClinVar:

NM_001367624.2(ZNF469):c.8948G>C (p.Arg2983Pro)

Gene: ZNF469 (zinc finger protein 469; plus strand). Cytogenetic location: 16q24.2.
Variant type: single nucleotide variant.
Coding change: c.8948G>C on transcript NM_001367624.2 (MANE Select); coding-DNA position 8948, G replaced by C.
Protein change: p.Arg2983Pro; replaces arginine 2983 with proline.
Molecular consequence: missense variant.
Genome position (GRCh38, 1-based): chr16:88,436,418, G>C. VCF-style: chr16-88436418-G-C. GRCh37 (hg19) VCF-style: chr16-88502826-G-C.
Other names: NM_001127464.1:c.8864G>C; short protein forms R2983P.
Identifiers: ClinVar variation 2980834 (VCV002980834.4), dbSNP rs1250696434, ClinGen allele CA397119865.

ClinVar aggregate classification (germline): Uncertain significance. Review status: criteria provided, multiple submitters, no conflicts (2 of 4 stars). 2 submissions from 2 submitters: Uncertain significance (2). Last evaluated 2024-09-15.

Conditions:
Cardiovascular phenotype. Identifiers: MedGen CN230736.

gnomAD v4.1: 2 of 1,548,834 alleles (0.00013%); highest among the groups gnomAD compares: Non-Finnish European, 0.000087%; no homozygotes.

Submissions (2):

Labcorp Genetics (formerly Invitae), Labcorp
Classification: Uncertain significance. Last evaluated: 2024-09-15. Review status: criteria provided, single submitter. Criteria: Invitae Variant Classification Sherloc (09022015). Collection method: clinical testing. Allele origin: germline.
Comment: This sequence change replaces arginine, which is basic and polar, with proline, which is neutral and non-polar, at codon 2955 of the ZNF469 protein (p.Arg2955Pro). This variant is present in population databases (no rsID available, gnomAD 0.002%). This variant has not been reported in the literature in individuals affected with ZNF469-related conditions. An algorithm developed to predict the effect of missense changes on protein structure and function outputs the following: PolyPhen-2: "Benign". The proline amino acid residue is found in multiple mammalian species, which suggests that this missense change does not adversely affect protein function. In summary, the available evidence is currently insufficient to determine the role of this variant in disease. Therefore, it has been classified as a Variant of Uncertain Significance.

Ambry Genetics
Classification: Uncertain significance for Cardiovascular phenotype. Last evaluated: 2023-12-25. Review status: criteria provided, single submitter. Criteria: Ambry Variant Classification Scheme 2023. Collection method: clinical testing. Allele origin: germline.
Comment: The p.R2955P variant (also known as c.8864G>C), located in coding exon 2 of the ZNF469 gene, results from a G to C substitution at nucleotide position 8864. The arginine at codon 2955 is replaced by proline, an amino acid with dissimilar properties. This amino acid position is conserved. In addition, this alteration is predicted to be tolerated by in silico analysis. Since supporting evidence is limited at this time, the clinical significance of this alteration remains unclear.